The following is an entry in ClinVar:

ClinVar aggregate classification (germline): Uncertain significance (1 of 4 stars; one submission).

gnomAD v4.1: 26 of 1,605,180 alleles (0.0016%); highest among the groups gnomAD compares: African/African-American, 0.027%; no homozygotes.

Submission:

Labcorp Genetics (formerly Invitae), Labcorp
Classification: Uncertain significance. Last evaluated: 2025-11-04. Review status: criteria provided, single submitter. Criteria: Invitae Variant Classification Sherloc (09022015). Collection method: clinical testing. Allele origin: germline.
Comment: This sequence change replaces arginine, which is basic and polar, with glutamine, which is neutral and polar, at codon 1064 of the MYO5B protein (p.Arg1064Gln). This variant is present in population databases (rs765443536, gnomAD 0.02%). This variant has not been reported in the literature in individuals affected with MYO5B-related conditions. Invitae Evidence Modeling of protein sequence and biophysical properties (such as structural, functional, and spatial information, amino acid conservation, physicochemical variation, residue mobility, and thermodynamic stability) has been performed for this missense variant. However, the output from this modeling did not meet the statistical confidence thresholds required to predict the impact of this variant on MYO5B protein function. In summary, the available evidence is currently insufficient to determine the role of this variant in disease. Therefore, it has been classified as a Variant of Uncertain Significance.

NM_001080467.3(MYO5B):c.3191G>A (p.Arg1064Gln)

Gene: MYO5B (myosin VB; minus strand). Cytogenetic location: 18q21.1.
Variant type: single nucleotide variant.
Coding change: c.3191G>A on transcript NM_001080467.3 (MANE Select); coding-DNA position 3191, G replaced by A.
Protein change: p.Arg1064Gln; replaces arginine 1064 with glutamine.
Molecular consequence: missense variant.
Genome position (GRCh38, 1-based): chr18:49,879,030, C>T on the plus strand (G>A on the coding strand, the complement: MYO5B is on the minus strand). VCF-style: chr18-49879030-C-T. GRCh37 (hg19) VCF-style: chr18-47405400-C-T.
Other names: short protein forms R1064Q.
Identifiers: ClinVar variation 4753627 (VCV004753627.1).